The following is an entry in ClinVar:

ClinVar aggregate classification (germline): Uncertain significance. Review status: criteria provided, multiple submitters, no conflicts (2 of 4 stars). 2 submissions from 2 submitters: Uncertain significance (2). Last evaluated 2024-12-11.

Conditions:
Inborn genetic diseases. Identifiers: MedGen C0950123, MeSH D030342.
Congenital disorder of deglycosylation (CDDG). Identifiers: MedGen C3808991, MONDO:0031376.

gnomAD v4.1: 10 of 1,614,042 alleles (0.00062%); highest among the groups gnomAD compares: Non-Finnish European, 0.00085%; no homozygotes.

Submissions (2):

Ambry Genetics
Classification: Uncertain significance for Inborn genetic diseases. Last evaluated: 2024-12-11. Review status: criteria provided, single submitter. Criteria: Ambry Variant Classification Scheme 2023. Collection method: clinical testing. Allele origin: germline.

Labcorp Genetics (formerly Invitae), Labcorp
Classification: Uncertain significance for Congenital disorder of deglycosylation. Last evaluated: 2024-08-09. Review status: criteria provided, single submitter. Criteria: Invitae Variant Classification Sherloc (09022015). Collection method: clinical testing. Allele origin: germline.
Comment: This sequence change replaces leucine, which is neutral and non-polar, with proline, which is neutral and non-polar, at codon 113 of the NGLY1 protein (p.Leu113Pro). This variant is not present in population databases (gnomAD no frequency). This variant has not been reported in the literature in individuals affected with NGLY1-related conditions. Advanced modeling of protein sequence and biophysical properties (such as structural, functional, and spatial information, amino acid conservation, physicochemical variation, residue mobility, and thermodynamic stability) performed at Invitae indicates that this missense variant is not expected to disrupt NGLY1 protein function with a negative predictive value of 80%. In summary, the available evidence is currently insufficient to determine the role of this variant in disease. Therefore, it has been classified as a Variant of Uncertain Significance.

NM_018297.4(NGLY1):c.338T>C (p.Leu113Pro)

Gene: NGLY1 (N-glycanase 1; minus strand). Cytogenetic location: 3p24.2.
Variant type: single nucleotide variant.
Coding change: c.338T>C on transcript NM_018297.4 (MANE Select); coding-DNA position 338, T replaced by C.
Protein change: p.Leu113Pro; replaces leucine 113 with proline.
Molecular consequence: missense variant.
Genome position (GRCh38, 1-based): chr3:25,764,220, A>G on the plus strand (T>C on the coding strand, the complement: NGLY1 is on the minus strand). VCF-style: chr3-25764220-A-G. GRCh37 (hg19) VCF-style: chr3-25805711-A-G.
Other names: c.338T>C, p.Leu113Pro (NM_001145293.2, NM_001145295.2); c.212T>C, p.Leu71Pro (NM_001145294.2); c.338T>C (NM_018297.3); short protein forms L113P, L71P.
Identifiers: ClinVar variation 3604720 (VCV003604720.2).
Genomic context (GRCh38, chr3:25,764,220, plus strand): 5'-TGGGTACTGGCTGCAGGTTGCTGAGATGACTTTACTTTGTGGCTCTTATTTGAGCCATCC[A>G]GTCTGCTACTTCTCTCTATGGCAATCAGGTCACGAATTTTTTGCAGCTGCTCCACTGAAG-3'
Protein context (NP_060767.2, residues 103-123): DLIAIERSSR[Leu113Pro]DGSNKSHKVK